The following is an entry in ClinVar:

ClinVar aggregate classification (germline): Pathogenic (1 of 4 stars; one submission).

Conditions:
Amyotrophic lateral sclerosis type 4 (ALS4). Also called: AMYOTROPHIC LATERAL SCLEROSIS 4, JUVENILE; NEURONOPATHY, DISTAL HEREDITARY MOTOR, WITH PYRAMIDAL FEATURES. Identifiers: Orphanet 357043, MedGen C1865409, MONDO:0011223, OMIM 602433.
Spinocerebellar ataxia, autosomal recessive, with axonal neuropathy 2 (SCAN2). Also called: ATAXIA-OCULOMOTOR APRAXIA 2; Ataxia with Oculomotor Apraxia Type 2; Ataxia-ocular apraxia-2; Ataxia with Oculomotor Apraxia. Identifiers: Orphanet 64753, MedGen C1853761, MONDO:0018996, OMIM 606002.

Submission:

Labcorp Genetics (formerly Invitae), Labcorp
Classification: Pathogenic for Amyotrophic lateral sclerosis type 4; Spinocerebellar ataxia, autosomal recessive, with axonal neuropathy 2. Last evaluated: 2024-03-22. Review status: criteria provided, single submitter. Criteria: Invitae Variant Classification Sherloc (09022015). Collection method: clinical testing. Allele origin: germline.
Comment: This sequence change creates a premature translational stop signal (p.Arg996Metfs*5) in the SETX gene. It is expected to result in an absent or disrupted protein product. Loss-of-function variants in SETX are known to be pathogenic (PMID: 14770181). This variant is not present in population databases (gnomAD no frequency). This variant has not been reported in the literature in individuals affected with SETX-related conditions. For these reasons, this variant has been classified as Pathogenic.

Literature cited by the submitters: PubMed 14770181.

NM_015046.7(SETX):c.2987_2988del (p.Arg996fs)

Gene: SETX (senataxin; minus strand). Cytogenetic location: 9q34.13.
Variant type: Deletion.
Coding change: c.2987_2988del on transcript NM_015046.7 (MANE Select); coding-DNA positions 2987 to 2988, 2 bases deleted (GA; older notation c.2987_2988delGA).
Protein change: p.Arg996fs; shifts the reading frame from arginine 996.
Molecular consequence: frameshift variant.
Genome position (GRCh38, 1-based): chr9:132,328,610-132,328,611, TC deleted on the plus strand (GA on the coding strand, the reverse complement: SETX is on the minus strand); deleting any 2 consecutive bases within chr9:132,328,610-132,328,612 gives the same sequence; the c. name uses the placement nearest the transcript's 3' end. VCF-style (leftmost placement, unchanged base first): chr9-132328609-ATC-A. GRCh37 (hg19) VCF-style: chr9-135203996-ATC-A.
Other names: c.2987_2988del, p.Arg996fs (NM_001351527.2, NM_001351528.2); short protein forms R996fs.
Identifiers: ClinVar variation 3754625 (VCV003754625.2).